The following is an entry in ClinVar:

NM_201384.3(PLEC):c.3600C>T (p.Arg1200=)

Gene: PLEC (plectin; minus strand). Cytogenetic location: 8q24.3.
Variant type: single nucleotide variant.
Coding change: c.3600C>T on transcript NM_201384.3 (MANE Select); coding-DNA position 3600, C replaced by T.
Protein change: p.Arg1200=; no amino-acid change (arginine 1200 retained).
Molecular consequence: synonymous variant.
Genome position (GRCh38, 1-based): chr8:143,927,566, G>A on the plus strand (C>T on the coding strand, the complement: PLEC is on the minus strand). VCF-style: chr8-143927566-G-A. GRCh37 (hg19) VCF-style: chr8-145001734-G-A.
Other names: c.3681C>T, p.Arg1227= (NM_000445.5); c.3558C>T, p.Arg1186= (NM_201378.4); c.3534C>T, p.Arg1178= (NM_201379.3); c.4011C>T, p.Arg1337= (NM_201380.4); c.3504C>T, p.Arg1168= (NM_201381.3); c.3600C>T, p.Arg1200= (NM_201382.4); c.3612C>T, p.Arg1204= (NM_201383.3).
Identifiers: ClinVar variation 655829 (VCV000655829.30), dbSNP rs781792998, ClinGen allele CA4927009.

ClinVar aggregate classification (germline): Likely benign. Review status: criteria provided, multiple submitters, no conflicts (2 of 4 stars). 2 submissions from 2 submitters: Likely benign (2). Last evaluated 2025-08-24.

Conditions:
Autosomal recessive limb-girdle muscular dystrophy type 2Q (LGMDR17). Also called: MUSCULAR DYSTROPHY, LIMB-GIRDLE, AUTOSOMAL RECESSIVE 17. Identifiers: Orphanet 254361, MedGen C3150989, MONDO:0013390, OMIM 613723.
Epidermolysis bullosa simplex with nail dystrophy (EBS5D). Identifiers: MedGen C4225309, MONDO:0014661, OMIM 616487.
Epidermolysis bullosa simplex 5B, with muscular dystrophy (EBS5B). Also called: Epidermolysis bullosa simplex with muscular dystrophy; EPIDERMOLYSIS BULLOSA SIMPLEX AND LIMB-GIRDLE MUSCULAR DYSTROPHY. Identifiers: Orphanet 257, MedGen C2931072, MONDO:0009181, OMIM 226670.
Epidermolysis bullosa simplex, Ogna type (EBS5A). Also called: EPIDERMOLYSIS BULLOSA SIMPLEX 5A, OGNA TYPE; Pidermolysis bullosa simplex 5A, Ogna type. Identifiers: Orphanet 79401, MedGen C0432317, MONDO:0007555, OMIM 131950.
Epidermolysis bullosa simplex 5C, with pyloric atresia (EBS5C). Also called: PLEC-Related Epidermolysis Bullosa with Pyloric Atresia; PLEC1-Related Epidermolysis Bullosa with Pyloric Atresia; Epidermolysis bullosa simplex with pyloric atresia. Identifiers: Orphanet 158684, MedGen C2677349, MONDO:0012807, OMIM 612138.

Allele frequency attached by ClinVar (database versions not stated): ExAC 0.00001; gnomAD exomes 0.00001; TOPMed 0.00004; gnomAD 0.00006.
gnomAD v4.1: 88 of 1,592,480 alleles (0.0055%); highest among the groups gnomAD compares: Non-Finnish European, 0.0067%; no homozygotes.

Submissions (2):

Labcorp Genetics (formerly Invitae), Labcorp
Classification: Likely benign for Autosomal recessive limb-girdle muscular dystrophy type 2Q; Epidermolysis bullosa simplex, Ogna type; Epidermolysis bullosa simplex with nail dystrophy; Epidermolysis bullosa simplex 5C, with pyloric atresia; Epidermolysis bullosa simplex 5B, with muscular dystrophy. Last evaluated: 2025-08-24. Review status: criteria provided, single submitter. Criteria: Invitae Variant Classification Sherloc (09022015). Collection method: clinical testing. Allele origin: germline.

CeGaT Center for Human Genetics Tuebingen
Classification: Likely benign. Last evaluated: 2024-10-01. Review status: criteria provided, single submitter. Criteria: CeGaT Center For Human Genetics Tuebingen Variant Classification Criteria Version 2. Collection method: clinical testing. Allele origin: germline. Affected: yes. Observed: 2 variant alleles.
Comment: PLEC: BP4, BP7